The following is an entry in ClinVar:

ClinVar aggregate classification (germline): Uncertain significance. Review status: criteria provided, multiple submitters, no conflicts (2 of 4 stars). 2 submissions from 2 submitters: Uncertain significance (2). Last evaluated 2023-07-08.

Conditions:
Epilepsy, familial adult myoclonic, 5 (EPEO5). Also called: CORTICAL MYOCLONIC TREMOR WITH EPILEPSY, FAMILIAL, 5. Identifiers: Orphanet 86814, MedGen C3809374, MONDO:0014167, OMIM 615400.

Allele frequency attached by ClinVar (database versions not stated): gnomAD exomes 0.00001; ExAC 0.00003; TOPMed 0.00003; gnomAD 0.00005; ESP Exome Variant Server 0.00008.
gnomAD v4.1: 18 of 1,611,432 alleles (0.0011%); highest among the groups gnomAD compares: African/African-American, 0.0053%; no homozygotes.

Submissions (2):

Labcorp Genetics (formerly Invitae), Labcorp
Classification: Uncertain significance for Epilepsy, familial adult myoclonic, 5. Last evaluated: 2023-07-08. Review status: criteria provided, single submitter. Criteria: Invitae Variant Classification Sherloc (09022015). Collection method: clinical testing. Allele origin: germline.
Comment: In summary, the available evidence is currently insufficient to determine the role of this variant in disease. Therefore, it has been classified as a Variant of Uncertain Significance. Advanced modeling of protein sequence and biophysical properties (such as structural, functional, and spatial information, amino acid conservation, physicochemical variation, residue mobility, and thermodynamic stability) performed at Invitae indicates that this missense variant is not expected to disrupt CNTN2 protein function. ClinVar contains an entry for this variant (Variation ID: 807905). This variant has not been reported in the literature in individuals affected with CNTN2-related conditions. This variant is present in population databases (rs149058423, gnomAD 0.005%). This sequence change replaces asparagine, which is neutral and polar, with serine, which is neutral and polar, at codon 904 of the CNTN2 protein (p.Asn904Ser).

CeGaT Center for Human Genetics Tuebingen
Classification: Uncertain significance. Last evaluated: 2016-06-01. Review status: criteria provided, single submitter. Criteria: CeGaT Center For Human Genetics Tuebingen Variant Classification Criteria Version 2. Collection method: clinical testing. Allele origin: germline. Affected: yes. Observed: 1 variant allele.

NM_005076.5(CNTN2):c.2711A>G (p.Asn904Ser)

Gene: CNTN2 (contactin 2; plus strand). Cytogenetic location: 1q32.1.
Variant type: single nucleotide variant.
Coding change: c.2711A>G on transcript NM_005076.5 (MANE Select); coding-DNA position 2711, A replaced by G.
Protein change: p.Asn904Ser; replaces asparagine 904 with serine.
Molecular consequence: missense variant. On other transcripts: non-coding transcript variant (1).
Genome position (GRCh38, 1-based): chr1:205,072,113, A>G. VCF-style: chr1-205072113-A-G. GRCh37 (hg19) VCF-style: chr1-205041241-A-G.
Other names: c.2711A>G, p.Asn904Ser (NM_001346083.2); short protein forms N904S.
Identifiers: ClinVar variation 807905 (VCV000807905.46), dbSNP rs149058423, ClinGen allele CA1351765.